The following is an entry in ClinVar:

NM_133259.4(LRPPRC):c.1209C>T (p.His403=)

Gene: LRPPRC (leucine rich pentatricopeptide repeat containing; minus strand). Cytogenetic location: 2p21.
Variant type: single nucleotide variant.
Coding change: c.1209C>T on transcript NM_133259.4 (MANE Select); coding-DNA position 1209, C replaced by T.
Protein change: p.His403=; no amino-acid change (histidine 403 retained).
Molecular consequence: synonymous variant.
Genome position (GRCh38, 1-based): chr2:43,973,847, G>A on the plus strand (C>T on the coding strand, the complement: LRPPRC is on the minus strand). VCF-style: chr2-43973847-G-A. GRCh37 (hg19) VCF-style: chr2-44200986-G-A.
Identifiers: ClinVar variation 515756 (VCV000515756.14), dbSNP rs375528620, ClinGen allele CA1639056.

ClinVar aggregate classification (germline): Likely benign. Review status: criteria provided, multiple submitters, no conflicts (2 of 4 stars). 4 submissions from 4 submitters: Likely benign (4). Last evaluated 2026-04-01.

Allele frequency attached by ClinVar (database versions not stated): TOPMed 0.00002; gnomAD 0.00003; gnomAD exomes 0.00003 and 0.00005; ExAC 0.00004; ESP Exome Variant Server 0.00008.
gnomAD v4.1: 52 of 1,613,700 alleles (0.0032%); highest among the groups gnomAD compares: Middle Eastern, 0.016%; no homozygotes.

Submissions (4):

CeGaT Center for Human Genetics Tuebingen
Classification: Likely benign. Last evaluated: 2026-04-01. Review status: criteria provided, single submitter. Criteria: CeGaT Center For Human Genetics Tuebingen Variant Classification Criteria Version 2. Collection method: clinical testing. Allele origin: germline. Affected: yes. Observed: 1 variant allele.
Comment: LRPPRC: BP4, BP7

Labcorp Genetics (formerly Invitae), Labcorp
Classification: Likely benign. Last evaluated: 2025-09-19. Review status: criteria provided, single submitter. Criteria: Invitae Variant Classification Sherloc (09022015). Collection method: clinical testing. Allele origin: germline.

Blueprint Genetics
Classification: Likely benign. Last evaluated: 2024-03-18. Review status: criteria provided, single submitter. Criteria: ACMG Guidelines, 2015. Collection method: clinical testing. Allele origin: germline.

GeneDx
Classification: Likely benign. Last evaluated: 2018-03-09. Review status: criteria provided, single submitter. Criteria: GeneDx Variant Classification (06012015). Collection method: clinical testing. Allele origin: germline. Affected: yes.
Comment: This variant is considered likely benign or benign based on one or more of the following criteria: it is a conservative change, it occurs at a poorly conserved position in the protein, it is predicted to be benign by multiple in silico algorithms, and/or has population frequency not consistent with disease.